The following is an entry in ClinVar:

ClinVar aggregate classification (germline): Uncertain significance (1 of 4 stars; one submission).

Conditions:
X-linked myopathy with excessive autophagy (AVM). Also called: Vacuolar myopathy; Autophagic vacuolar myopathy. Identifiers: Orphanet 25980, MedGen C1839615, MONDO:0010684, OMIM 310440.

Allele frequency attached by ClinVar (database versions not stated): gnomAD 0.00003.
gnomAD v4.1: 21 of 1,160,850 alleles (0.0018%); highest among the groups gnomAD compares: Non-Finnish European, 0.0023%; no homozygotes.

Submission:

Labcorp Genetics (formerly Invitae), Labcorp
Classification: Uncertain significance for X-linked myopathy with excessive autophagy. Last evaluated: 2024-11-27. Review status: criteria provided, single submitter. Criteria: Invitae Variant Classification Sherloc (09022015). Collection method: clinical testing. Allele origin: germline.
Comment: This sequence change replaces proline, which is neutral and non-polar, with arginine, which is basic and polar, at codon 4 of the VMA21 protein (p.Pro4Arg). The frequency data for this variant in the population databases is considered unreliable, as metrics indicate poor data quality at this position in the gnomAD database. This variant has not been reported in the literature in individuals affected with VMA21-related conditions. ClinVar contains an entry for this variant (Variation ID: 1931323). An algorithm developed to predict the effect of missense changes on protein structure and function (PolyPhen-2) suggests that this variant is likely to be tolerated. In summary, the available evidence is currently insufficient to determine the role of this variant in disease. Therefore, it has been classified as a Variant of Uncertain Significance.

NM_001017980.4(VMA21):c.11C>G (p.Pro4Arg)

Gene: VMA21 (vacuolar ATPase assembly factor VMA21; plus strand). Cytogenetic location: Xq28.
Variant type: single nucleotide variant.
Coding change: c.11C>G on transcript NM_001017980.4 (MANE Select); coding-DNA position 11, C replaced by G.
Protein change: p.Pro4Arg; replaces proline 4 with arginine.
Molecular consequence: missense variant. On other transcripts: intron variant (1).
Genome position (GRCh38, 1-based): chrX:151,397,319, C>G. VCF-style: chrX-151397319-C-G. GRCh37 (hg19) VCF-style: chrX-150565791-C-G.
Other names: c.218+262C>G (NM_001363810.1); short protein forms P4R.
Identifiers: ClinVar variation 1931323 (VCV001931323.5), dbSNP rs1465930949, ClinGen allele CA415270760.
Genomic context (GRCh38, chrX:151,397,319, plus strand): 5'-CCGCCGAGCCCAGCTCCGCCGCCGAGCGCCTGTGCCGGCACGGCTACACCATGGAGCGCC[C>G]GGATAAGGCGGCGCTGAACGCACTGCAGCCTCCTGAGTTCAGGTAGCCCTGAGCGGGGCC-3'
Protein context (NP_001017980.1, residues 1-14): MER[Pro4Arg]DKAALNALQP